The following is an entry in ClinVar:

ClinVar aggregate classification (germline): Conflicting classifications of pathogenicity. Review status: criteria provided, conflicting classifications (1 of 4 stars). 2 submissions from 2 submitters: Uncertain significance (1); Likely benign (1). Last evaluated 2025-08-05.

Conditions:
Myofibrillar myopathy 5. Also called: FILAMINOPATHY, AUTOSOMAL DOMINANT; Filaminopathy (type). Identifiers: Orphanet 171445, MedGen C1836050, MONDO:0012289, OMIM 609524.
Distal myopathy with posterior leg and anterior hand involvement. Also called: WILLIAMS DISTAL MYOPATHY. Identifiers: Orphanet 63273, MedGen C3279722, MONDO:0013550, OMIM 614065.
Hypertrophic cardiomyopathy 26. Also called: Cardiomyopathy, familial hypertrophic, 26. Identifiers: Orphanet 75249, MedGen C4310749, MONDO:0014883, OMIM 617047.
Cardiovascular phenotype. Identifiers: MedGen CN230736.

Allele frequency attached by ClinVar (database versions not stated): gnomAD exomes below 0.00001; TOPMed below 0.00001; gnomAD 0.00001.
gnomAD v4.1: 2 of 1,610,880 alleles (0.00012%); highest among the groups gnomAD compares: African/African-American, 0.0013%; no homozygotes.

Submissions (2):

Labcorp Genetics (formerly Invitae), Labcorp
Classification: Likely benign for Distal myopathy with posterior leg and anterior hand involvement; Myofibrillar myopathy 5; Hypertrophic cardiomyopathy 26. Last evaluated: 2025-08-05. Review status: criteria provided, single submitter. Criteria: Invitae Variant Classification Sherloc (09022015). Collection method: clinical testing. Allele origin: germline.

Ambry Genetics
Classification: Uncertain significance for Cardiovascular phenotype. Last evaluated: 2023-12-20. Review status: criteria provided, single submitter. Criteria: Ambry Variant Classification Scheme 2023. Collection method: clinical testing. Allele origin: germline.
Comment: The p.F2225L variant (also known as c.6673T>C), located in coding exon 40 of the FLNC gene, results from a T to C substitution at nucleotide position 6673. The phenylalanine at codon 2225 is replaced by leucine, an amino acid with highly similar properties. This amino acid position is conserved. In addition, this alteration is predicted to be tolerated by in silico analysis. Since supporting evidence is limited at this time, the clinical significance of this alteration remains unclear.

NM_001458.5(FLNC):c.6673T>C (p.Phe2225Leu)

Genes: FLNC-AS1 (FLNC antisense RNA 1; minus strand), FLNC (filamin C; plus strand). Cytogenetic location: 7q32.1.
Variant type: single nucleotide variant.
Coding change: c.6673T>C on transcript NM_001458.5 (MANE Select); coding-DNA position 6673, T replaced by C.
Protein change: p.Phe2225Leu; replaces phenylalanine 2225 with leucine.
Molecular consequence: missense variant.
Genome position (GRCh38, 1-based): chr7:128,854,162, T>C. VCF-style: chr7-128854162-T-C. GRCh37 (hg19) VCF-style: chr7-128494216-T-C.
Other names: c.6574T>C, p.Phe2192Leu (NM_001127487.2); short protein forms F2225L, F2192L.
Identifiers: ClinVar variation 2143831 (VCV002143831.5), dbSNP rs1207791347, ClinGen allele CA369213094.